The following is an entry in ClinVar:

NM_001130987.2(DYSF):c.2343_2346del (p.Glu782fs)

Gene: DYSF (dysferlin; plus strand). Cytogenetic location: 2p13.2.
Variant type: Deletion.
Coding change: c.2343_2346del on transcript NM_001130987.2 (MANE Select); coding-DNA positions 2343 to 2346, 4 bases deleted (TGAG; older notation c.2343_2346delTGAG).
Protein change: p.Glu782fs; shifts the reading frame from glutamic acid 782.
Molecular consequence: frameshift variant.
Genome position (GRCh38, 1-based): chr2:71,561,878-71,561,881, TGAG deleted; deleting any 4 consecutive bases within chr2:71,561,876-71,561,881 gives the same sequence; the c. name uses the placement nearest the transcript's 3' end. VCF-style (leftmost placement, unchanged base first): chr2-71561875-CAGTG-C. GRCh37 (hg19) VCF-style: chr2-71789005-CAGTG-C.
Other names: c.2292_2295del, p.Glu765fs (NM_001130455.2, NM_001130983.2); c.2247_2250del, p.Glu750fs (NM_001130976.2, NM_001130977.2); c.2289_2292del, p.Glu764fs (NM_001130978.2, NM_003494.4); c.2382_2385del, p.Glu795fs (NM_001130979.2); c.2340_2343del, p.Glu781fs (NM_001130980.2, NM_001130981.2); c.2385_2388del, p.Glu796fs (NM_001130982.2); c.2250_2253del, p.Glu751fs (NM_001130984.2, NM_001130986.2); c.2343_2346del, p.Glu782fs (NM_001130985.2); short protein forms E750fs, E751fs, E764fs, E765fs, E781fs, E782fs, E795fs, E796fs.
Identifiers: ClinVar variation 1726174 (VCV001726174.3), dbSNP rs2545753525, ClinGen allele CA2580067852.

ClinVar aggregate classification (germline): Likely pathogenic (1 of 4 stars; one submission).

Conditions:
Autosomal recessive limb-girdle muscular dystrophy. Identifiers: Orphanet 102015, MedGen C2931907, MONDO:0015152.

Submission:

Myriad Genetics, Inc.
Classification: Likely pathogenic for Autosomal recessive limb-girdle muscular dystrophy. Last evaluated: 2022-05-18. Review status: criteria provided, single submitter. Criteria: Myriad Autosomal Dominant, Autosomal Recessive and X-Linked Classification Criteria (2023). Collection method: clinical testing. Allele origin: unknown.
Comment: NM_003494.3(DYSF):c.2289_2292delTGAG(E764Sfs*72) is expected to be pathogenic in the context of dysferlinopathy. This variant is predicted to lead to an abnormal or absent protein product due to the creation of a premature termination codon in DYSF, a gene where loss-of-function variants are known to be pathogenic. Please note: this variant was assessed in the context of healthy population screening.